The following is an entry in ClinVar:

ClinVar aggregate classification (germline): Uncertain significance (1 of 4 stars; one submission).

Submission:

Labcorp Genetics (formerly Invitae), Labcorp
Classification: Uncertain significance. Last evaluated: 2021-11-19. Review status: criteria provided, single submitter. Criteria: Invitae Variant Classification Sherloc (09022015). Collection method: clinical testing. Allele origin: germline.
Comment: This sequence change replaces valine, which is neutral and non-polar, with isoleucine, which is neutral and non-polar, at codon 274 of the CHM protein (p.Val274Ile). This variant is not present in population databases (gnomAD no frequency). This variant has not been reported in the literature in individuals affected with CHM-related conditions. Algorithms developed to predict the effect of missense changes on protein structure and function are either unavailable or do not agree on the potential impact of this missense change (SIFT: "Deleterious"; PolyPhen-2: "Benign"; Align-GVGD: "Class C25"). In summary, the available evidence is currently insufficient to determine the role of this variant in disease. Therefore, it has been classified as a Variant of Uncertain Significance.

NM_000390.4(CHM):c.820G>A (p.Val274Ile)

Gene: CHM (CHM Rab escort protein; minus strand). Cytogenetic location: Xq21.2.
Variant type: single nucleotide variant.
Coding change: c.820G>A on transcript NM_000390.4 (MANE Select); coding-DNA position 820, G replaced by A.
Protein change: p.Val274Ile; replaces valine 274 with isoleucine.
Molecular consequence: missense variant.
Genome position (GRCh38, 1-based): chrX:85,957,975, C>T on the plus strand (G>A on the coding strand, the complement: CHM is on the minus strand). VCF-style: chrX-85957975-C-T. GRCh37 (hg19) VCF-style: chrX-85212980-C-T.
Other names: c.376G>A, p.Val126Ile (NM_001320959.1, NM_001362517.1, NM_001362518.2 and 1 more transcripts); short protein forms V126I, V274I.
Identifiers: ClinVar variation 1467497 (VCV001467497.6), dbSNP rs2147665902, ClinGen allele CA413785929.